The following is an entry in ClinVar:

NM_000440.3(PDE6A):c.7G>A (p.Glu3Lys)

Gene: PDE6A (phosphodiesterase 6A; minus strand). Cytogenetic location: 5q32.
Variant type: single nucleotide variant.
Coding change: c.7G>A on transcript NM_000440.3 (MANE Select); coding-DNA position 7, G replaced by A.
Protein change: p.Glu3Lys; replaces glutamic acid 3 with lysine.
Molecular consequence: missense variant.
Genome position (GRCh38, 1-based): chr5:149,944,667, C>T on the plus strand (G>A on the coding strand, the complement: PDE6A is on the minus strand). VCF-style: chr5-149944667-C-T. GRCh37 (hg19) VCF-style: chr5-149324230-C-T.
Other names: short protein forms E3K.
Identifiers: ClinVar variation 1513004 (VCV001513004.9), dbSNP rs577050700, ClinGen allele CA3505165.

ClinVar aggregate classification (germline): Uncertain significance. Review status: criteria provided, multiple submitters, no conflicts (2 of 4 stars). 2 submissions from 2 submitters: Uncertain significance (2). Last evaluated 2024-10-26.

Allele frequency attached by ClinVar (database versions not stated): gnomAD exomes 0.00001 and 0.00003; gnomAD 0.00004 and 0.00005; TOPMed 0.00004; ExAC 0.00005; 1000 Genomes Project 30x 0.00031; 1000 Genomes Project 0.00040.
gnomAD v4.1: 18 of 1,606,250 alleles (0.0011%); highest among the groups gnomAD compares: African/African-American, 0.011%; no homozygotes.

Submissions (2):

Labcorp Genetics (formerly Invitae), Labcorp
Classification: Uncertain significance. Last evaluated: 2024-10-26. Review status: criteria provided, single submitter. Criteria: Invitae Variant Classification Sherloc (09022015). Collection method: clinical testing. Allele origin: germline.
Comment: This sequence change replaces glutamic acid, which is acidic and polar, with lysine, which is basic and polar, at codon 3 of the PDE6A protein (p.Glu3Lys). This variant is present in population databases (rs577050700, gnomAD 0.02%). This variant has not been reported in the literature in individuals affected with PDE6A-related conditions. ClinVar contains an entry for this variant (Variation ID: 1513004). Invitae Evidence Modeling of protein sequence and biophysical properties (such as structural, functional, and spatial information, amino acid conservation, physicochemical variation, residue mobility, and thermodynamic stability) indicates that this missense variant is not expected to disrupt PDE6A protein function with a negative predictive value of 95%. In summary, the available evidence is currently insufficient to determine the role of this variant in disease. Therefore, it has been classified as a Variant of Uncertain Significance.

Breakthrough Genomics
Classification: Uncertain significance. Review status: criteria provided, single submitter. Criteria: ACMG Guidelines, 2015. Collection method: not provided. Allele origin: germline. Inheritance: Unknown mechanism. Affected: yes.